The following is an entry in ClinVar:

NM_001182.5(ALDH7A1):c.458T>C (p.Ile153Thr)

Gene: ALDH7A1 (aldehyde dehydrogenase 7 family member A1; minus strand). Cytogenetic location: 5q23.2.
Variant type: single nucleotide variant.
Coding change: c.458T>C on transcript NM_001182.5 (MANE Select); coding-DNA position 458, T replaced by C.
Protein change: p.Ile153Thr; replaces isoleucine 153 with threonine.
Molecular consequence: missense variant.
Genome position (GRCh38, 1-based): chr5:126,582,910, A>G on the plus strand (T>C on the coding strand, the complement: ALDH7A1 is on the minus strand). VCF-style: chr5-126582910-A-G. GRCh37 (hg19) VCF-style: chr5-125918602-A-G.
Other names: c.374T>C, p.Ile125Thr (NM_001201377.2); c.458T>C, p.Ile153Thr (NM_001202404.2); short protein forms I125T, I153T.
Identifiers: ClinVar variation 1475432 (VCV001475432.8), dbSNP rs2112802741, ClinGen allele CA360731816.

ClinVar aggregate classification (germline): Uncertain significance (1 of 4 stars; one submission).

Conditions:
Pyridoxine-dependent epilepsy (EPEO4). Also called: Pyridoxine-Dependent Seizures; Pyridoxine-Dependent Epilepsy - ALDH7A1; PYRIDOXINE DEPENDENCY WITH SEIZURES; EPILEPSY, EARLY-ONSET, 4, VITAMIN B6-DEPENDENT. Identifiers: Orphanet 3006, MedGen C1849508, MONDO:0009945, OMIM 266100. Disease mechanism: loss of function.

Submission:

Labcorp Genetics (formerly Invitae), Labcorp
Classification: Uncertain significance for Pyridoxine-dependent epilepsy. Last evaluated: 2021-05-13. Review status: criteria provided, single submitter. Criteria: Invitae Variant Classification Sherloc (09022015). Collection method: clinical testing. Allele origin: germline.
Comment: This sequence change replaces isoleucine with threonine at codon 153 of the ALDH7A1 protein (p.Ile153Thr). The isoleucine residue is moderately conserved and there is a moderate physicochemical difference between isoleucine and threonine. This variant is not present in population databases (ExAC no frequency). In summary, the available evidence is currently insufficient to determine the role of this variant in disease. Therefore, it has been classified as a Variant of Uncertain Significance. Algorithms developed to predict the effect of missense changes on protein structure and function are either unavailable or do not agree on the potential impact of this missense change (SIFT: "Deleterious"; PolyPhen-2: "Possibly Damaging"; Align-GVGD: "Class C0"). This variant has not been reported in the literature in individuals with ALDH7A1-related conditions.